The following is an entry in ClinVar:

ClinVar aggregate classification (germline): Pathogenic (1 of 4 stars; one submission).

Conditions:
Neurodevelopmental disorder. Identifiers: MedGen C1535926, MeSH D065886, MONDO:0700092.

Submission:

Victorian Clinical Genetics Services, Murdoch Childrens Research Institute
Classification: Pathogenic for Neurodevelopmental disorder. Last evaluated: 2024-09-20. Review status: criteria provided, single submitter. Criteria: ACMG Guidelines, 2015. Collection method: clinical testing. Allele origin: germline. Inheritance: Autosomal dominant inheritance. Affected: yes.
Comment: Based on the classification scheme VCGS_Germline_v1.3.4, this variant is classified as Pathogenic. Following criteria are met: 0102 - Loss of function is a known mechanism of disease in this gene and is associated with autosomal recessive intellectual disability 65 (MIM#618109) and autosomal dominant neurodevelopmental disorder (MONDO:0700092), KDM5B-related. (I) 0108 - This gene is associated with both recessive and dominant disease. Biallelic pathogenic variants are associated with a more severe, syndromic intellectual disability (PMID: 29276005; DECIPHER). Individuals with heterozygous variants have also been reported, with developmental delay, intellectual disability and/or autistic features (PMID: 29276005, 30217758, 30409806). (I) 0112 - The condition associated with this gene has incomplete penetrance. While the recessive condition is fully penetrant, incomplete penetrance has been suggested for the autosomal dominant condition, where unaffected carriers of loss of function variants have been reported (PMID: 30217758, 30409806). (I) 0201 - Variant is predicted to cause nonsense-mediated decay (NMD) and loss of protein (premature termination codon is located at least 54 nucleotides upstream of the final exon-exon junction). (SP) 0251 - This variant is heterozygous. (I) 0301 - Variant is absent from gnomAD (both v2 and v3). (SP) 0701 - Many other NMD-predicted variants comparable to the one identified in this case have very strong previous evidence for pathogenicity in individuals with autosomal recessive intellectual disability 65 or autosomal dominant neurodevelopmental disorder, KDM5B-related (DECIPHER). (SP) 0807 - This variant has no previous evidence of pathogenicity. (I) 0905 - No published segregation evidence has been identified for this variant. (I) 1007 - No published functional evidence has been identified for this variant. (I) 1208 - Inheritance information for this variant is not currently available in this individual. (I) Legend: (SP) - Supporting pathogenic, (I) - Information, (SB) - Supporting benign

Literature cited by the submitters: PubMed 29276005; PubMed 30217758; PubMed 30409806.

NM_006618.5(KDM5B):c.1997_2001del (p.Arg666fs)

Gene: KDM5B (lysine demethylase 5B; minus strand). Cytogenetic location: 1q32.1.
Variant type: Deletion.
Coding change: c.1997_2001del on transcript NM_006618.5 (MANE Select); coding-DNA positions 1997 to 2001, 5 bases deleted (GAGAA; older notation c.1997_2001delGAGAA).
Protein change: p.Arg666fs; shifts the reading frame from arginine 666.
Molecular consequence: frameshift variant.
Genome position (GRCh38, 1-based): chr1:202,748,960-202,748,964, TTCTC deleted on the plus strand (GAGAA on the coding strand, the reverse complement: KDM5B is on the minus strand); deleting any 5 consecutive bases within chr1:202,748,960-202,748,966 gives the same sequence; the c. name uses the placement nearest the transcript's 3' end. VCF-style (leftmost placement, unchanged base first): chr1-202748959-TTTCTC-T. GRCh37 (hg19) VCF-style: chr1-202718087-TTTCTC-T.
Other names: c.2105_2109del, p.Arg702fs (NM_001314042.2); c.1862_1866del, p.Arg621fs (NM_001347591.2); c.1982_1986del, p.Arg661fs (NM_001399817.1); short protein forms R621fs, R661fs, R666fs, R702fs.
Identifiers: ClinVar variation 3377007 (VCV003377007.1).
Genomic context (GRCh38, chr1:202,748,959, plus strand): 5'-AATAATACCCAATGACAACATGCAGTTGGATTTCCATAAGCCTTACCAATTTACGGACAG[TTTCTC>T]TTAAAGCTTTCTCATCCTCAATCATAATGGCCATGTCTTTCTGAACAGTTGAAGCCACTA-3'